The following is an entry in ClinVar:

NM_001211.6(BUB1B):c.2333A>G (p.Tyr778Cys)

Gene: BUB1B (BUB1 mitotic checkpoint serine/threonine kinase B; plus strand). Cytogenetic location: 15q15.1.
Variant type: single nucleotide variant.
Coding change: c.2333A>G on transcript NM_001211.6 (MANE Select); coding-DNA position 2333, A replaced by G.
Protein change: p.Tyr778Cys; replaces tyrosine 778 with cysteine.
Molecular consequence: missense variant.
Genome position (GRCh38, 1-based): chr15:40,210,158, A>G. VCF-style: chr15-40210158-A-G. GRCh37 (hg19) VCF-style: chr15-40502359-A-G.
Other names: short protein forms Y778C.
Identifiers: ClinVar variation 4216956 (VCV004216956.1).

ClinVar aggregate classification (germline): Uncertain significance (1 of 4 stars; one submission).

Conditions:
Inborn genetic diseases. Identifiers: MedGen C0950123, MeSH D030342.

Submission:

Ambry Genetics
Classification: Uncertain significance for Inborn genetic diseases. Last evaluated: 2025-08-01. Review status: criteria provided, single submitter. Criteria: Ambry Variant Classification Scheme 2023. Collection method: clinical testing. Allele origin: germline.
Comment: The p.Y778C variant (also known as c.2333A>G), located in coding exon 18 of the BUB1B gene, results from an A to G substitution at nucleotide position 2333. The tyrosine at codon 778 is replaced by cysteine, an amino acid with highly dissimilar properties. This amino acid position is conserved. In addition, this alteration is predicted to be tolerated by in silico analysis. Based on the available evidence, the clinical significance of this variant remains unclear.